The following is an entry in ClinVar:

ClinVar aggregate classification (germline): Uncertain significance. Review status: criteria provided, multiple submitters, no conflicts (2 of 4 stars). 11 submissions from 11 submitters: Uncertain significance (9). 2 of the submissions do not count toward it. Last evaluated 2026-06-15.

Conditions:
ATM-related disorder. Also called: ATM-related disorders; ATM-related condition.
Hereditary cancer-predisposing syndrome. Also called: Neoplastic Syndromes, Hereditary; Tumor predisposition; Hereditary neoplastic syndrome; Hereditary Cancer Syndrome. Identifiers: Orphanet 140162, MedGen C0027672, MeSH D009386, MONDO:0015356.
Ataxia-telangiectasia syndrome (AT). Also called: Ataxia-telangiectasia, complementation group D; Ataxia-telangiectasia, complementation group E; Cerebello-oculocutaneous telangiectasia; Immunodeficiency with ataxia telangiectasia; LOUIS-BAR SYNDROME; Ataxia telangiectasia (A-T). Identifiers: Orphanet 100, MedGen C0004135, MONDO:0008840, OMIM 208900.
Familial cancer of breast. Also called: Hereditary breast cancer; hereditary breast carcinoma; BREAST CANCER, FAMILIAL. Identifiers: Orphanet 227535, MedGen C0346153, MONDO:0016419, OMIM 114480. Disease mechanism: loss of function.

Allele frequency attached by ClinVar (database versions not stated): gnomAD 0.00002; ExAC 0.00005; TOPMed 0.00006.
gnomAD v4.1: 18 of 1,613,916 alleles (0.0011%); highest among the groups gnomAD compares: Admixed American, 0.03%; no homozygotes.

Submissions (11):

Women's Health and Genetics/Laboratory Corporation of America, LabCorp
Classification: Uncertain significance. Last evaluated: 2026-06-15. Review status: criteria provided, single submitter. Criteria: LabCorp Variant Classification Summary - May 2015. Collection method: clinical testing. Allele origin: germline.
Comment: Variant summary: ATM c.3040G>A (p.Ala1014Thr) results in a non-conservative amino acid change located in the ARM repeat domain (IPR016024) of the encoded protein sequence. Algorithms developed to predict the effect of missense changes on protein structure and function are either unavailable or do not agree on the potential impact of this missense change. The variant allele was found at a frequency of 5.6e-05 in 251184 control chromosomes. This frequency is not significantly higher than estimated for disease-causing variants in ATM, allowing no conclusion about variant significance. c.3040G>A has been reported in the literature in both controls and individuals affected with Breast Cancer (e.g. Weitzel_2020). These report(s) do not provide unequivocal conclusions about association of the variant with disease. To our knowledge, no experimental evidence demonstrating an impact on protein function has been reported. ClinVar contains an entry for this variant (Variation ID: 141992). Based on the evidence outlined above, the variant was classified as uncertain significance.

Labcorp Genetics (formerly Invitae), Labcorp
Classification: Uncertain significance for Ataxia-telangiectasia syndrome. Last evaluated: 2025-12-08. Review status: criteria provided, single submitter. Criteria: Invitae Variant Classification Sherloc (09022015). Collection method: clinical testing. Allele origin: germline.
Comment: This sequence change replaces alanine, which is neutral and non-polar, with threonine, which is neutral and polar, at codon 1014 of the ATM protein (p.Ala1014Thr). This variant is present in population databases (rs587782163, gnomAD 0.04%). This missense change has been observed in individual(s) with breast cancer (PMID: 31206626). ClinVar contains an entry for this variant (Variation ID: 141992). Invitae Evidence Modeling of protein sequence and biophysical properties (such as structural, functional, and spatial information, amino acid conservation, physicochemical variation, residue mobility, and thermodynamic stability) indicates that this missense variant is not expected to disrupt ATM protein function with a negative predictive value of 95%. In summary, the available evidence is currently insufficient to determine the role of this variant in disease. Therefore, it has been classified as a Variant of Uncertain Significance.

Color Diagnostics, LLC DBA Color Health
Classification: Uncertain significance for Hereditary cancer-predisposing syndrome. Last evaluated: 2025-11-04. Review status: criteria provided, single submitter. Criteria: ACMG Guidelines, 2015. Collection method: clinical testing. Allele origin: germline.
Comment: This missense variant replaces alanine with threonine at codon 1014 of the ATM protein. Computational prediction suggests that this variant may not impact protein structure and function. To our knowledge, functional studies have not been reported for this variant. This variant has not been reported in individuals affected with ATM-related disorders in the literature. This variant has been identified in 14/251184 chromosomes in the general population by the Genome Aggregation Database (gnomAD). The available evidence is insufficient to determine the role of this variant in disease conclusively. Therefore, this variant is classified as a Variant of Uncertain Significance.

Quest Diagnostics Nichols Institute San Juan Capistrano
Classification: Uncertain significance. Last evaluated: 2024-10-25. Review status: criteria provided, single submitter. Criteria: Quest Diagnostics criteria. Collection method: clinical testing. Allele origin: unknown.
Comment: The ATM c.3040G>A (p.Ala1014Thr) variant has not been reported in individuals with ATM-related conditions in the published literature. The frequency of this variant in the general population, 0.0004 (14/34582 chromosomes (Genome Aggregation Database)), is uninformative in the assessment of its pathogenicity. Analysis of this variant using bioinformatics tools for the prediction of the effect of amino acid changes on protein structure and function yielded predictions that this variant is benign. Based on the available information, we are unable to determine the clinical significance of this variant.

Ambry Genetics
Classification: Uncertain significance for Hereditary cancer-predisposing syndrome. Last evaluated: 2024-10-22. Review status: criteria provided, single submitter. Criteria: Ambry Variant Classification Scheme 2023. Collection method: clinical testing. Allele origin: germline.
Comment: The p.A1014T variant (also known as c.3040G>A), located in coding exon 19 of the ATM gene, results from a G to A substitution at nucleotide position 3040. The alanine at codon 1014 is replaced by threonine, an amino acid with similar properties. This amino acid position is well conserved in available vertebrate species. In addition, the in silico prediction for this alteration is inconclusive. Since supporting evidence is limited at this time, the clinical significance of this alteration remains unclear.

Fulgent Genetics
Classification: Uncertain significance for Familial cancer of breast; Ataxia-telangiectasia syndrome. Last evaluated: 2024-05-22. Review status: criteria provided, single submitter. Criteria: ACMG Guidelines, 2015. Collection method: clinical testing. Allele origin: germline.

Baylor Genetics
Classification: Uncertain significance for Familial cancer of breast. Last evaluated: 2023-11-27. Review status: criteria provided, single submitter. Criteria: ACMG Guidelines, 2015. Collection method: clinical testing. Allele origin: unknown.

Revvity Omics, Revvity
Classification: Uncertain significance for Ataxia-telangiectasia syndrome. Last evaluated: 2022-01-28. Review status: criteria provided, single submitter. Criteria: ACMG Guidelines, 2015. Collection method: clinical testing. Allele origin: germline.

Genetic Services Laboratory, University of Chicago
Classification: Uncertain significance. Last evaluated: 2018-09-20. Review status: criteria provided, single submitter. Criteria: ACMG Guidelines, 2015. Collection method: clinical testing. Allele origin: germline. Affected: no.

PreventionGenetics, part of Exact Sciences
Classification: Uncertain significance for ATM-related condition. Last evaluated: 2024-08-13. Review status: no assertion criteria provided. Collection method: clinical testing. Allele origin: germline. Not counted in ClinVar's aggregate classification.
Comment: The ATM c.3040G>A variant is predicted to result in the amino acid substitution p.Ala1014Thr. To our knowledge, this variant has not been reported in the literature. This variant is reported in 0.040% of alleles in individuals of Latino descent in gnomAD and is interpreted as uncertain in Clinvar. At this time, the clinical significance of this variant is uncertain due to the absence of conclusive functional and genetic evidence.

Natera, Inc.
Classification: Uncertain significance for Ataxia-telangiectasia. Last evaluated: 2020-02-21. Review status: no assertion criteria provided. Collection method: clinical testing. Allele origin: germline. Not counted in ClinVar's aggregate classification.

Literature cited by the submitters: PubMed 31206626 (cited by Women's Health and Genetics/Laboratory Corporation of America, LabCorp and Labcorp Genetics (formerly Invitae), Labcorp).

NM_000051.4(ATM):c.3040G>A (p.Ala1014Thr)

Gene: ATM (ATM serine/threonine kinase; plus strand). Cytogenetic location: 11q22.3.
Variant type: single nucleotide variant.
Coding change: c.3040G>A on transcript NM_000051.4 (MANE Select); coding-DNA position 3040, G replaced by A.
Protein change: p.Ala1014Thr; replaces alanine 1014 with threonine.
Molecular consequence: missense variant.
Genome position (GRCh38, 1-based): chr11:108,271,369, G>A. VCF-style: chr11-108271369-G-A. GRCh37 (hg19) VCF-style: chr11-108142096-G-A.
Other names: c.3040G>A, p.Ala1014Thr (NM_001351834.2); short protein forms A1014T.
Identifiers: ClinVar variation 141992 (VCV000141992.41), dbSNP rs587782163, ClinGen allele CA167047.